The following is an entry in ClinVar:

NM_177924.5(ASAH1):c.*244C>T

Gene: ASAH1 (N-acylsphingosine amidohydrolase 1; minus strand). Cytogenetic location: 8p22.
Variant type: single nucleotide variant.
Coding change: c.*244C>T on transcript NM_177924.5 (MANE Select); 244 bases downstream of the stop codon, C replaced by T.
Molecular consequence: 3 prime UTR variant.
Genome position (GRCh38, 1-based): chr8:18,057,290, G>A on the plus strand (C>T on the coding strand, the complement: ASAH1 is on the minus strand). VCF-style: chr8-18057290-G-A. GRCh37 (hg19) VCF-style: chr8-17914799-G-A.
Other names: c.*244C>T (NM_001127505.3, NM_001363743.2, NM_004315.6).
Identifiers: ClinVar variation 362365 (VCV000362365.9), dbSNP rs405308, ClinGen allele CA10625084.

ClinVar aggregate classification (germline): Benign. Review status: criteria provided, multiple submitters, no conflicts (2 of 4 stars). 3 submissions from 3 submitters: Benign (3). Last evaluated 2018-07-06.

Conditions:
Farber lipogranulomatosis (FRBRL). Also called: Farber's lipogranulomatosis; Farber's disease; Farber disease; AC DEFICIENCY; ACID CERAMIDASE DEFICIENCY; CERAMIDASE DEFICIENCY. Identifiers: Orphanet 333, MedGen C0268255, MONDO:0009218, OMIM 228000.

Allele frequency attached by ClinVar (database versions not stated): gnomAD 0.09287 and 0.09459; TOPMed 0.09887; 1000 Genomes Project 0.10623; 1000 Genomes Project 30x 0.11071.
gnomAD v4.1: 26,196 of 350,860 alleles (7.5%); highest among the groups gnomAD compares: African/African-American, 18%; 1,374 homozygotes.

Submissions (3):

GeneDx
Classification: Benign. Last evaluated: 2018-07-06. Review status: criteria provided, single submitter. Criteria: GeneDx Variant Classification Process June 2021. Collection method: clinical testing. Allele origin: germline. Affected: yes.

Illumina Laboratory Services, Illumina
Classification: Benign for Farber lipogranulomatosis. Last evaluated: 2018-01-13. Review status: criteria provided, single submitter. Criteria: ICSL Variant Classification Criteria 13 December 2019. Collection method: clinical testing. Allele origin: germline.
Comment: This variant was observed in the ICSL laboratory as part of a predisposition screen in an ostensibly healthy population. It had not been previously curated by ICSL or reported in the Human Gene Mutation Database (HGMD: prior to June 1st, 2018), and was therefore a candidate for classification through an automated scoring system. Utilizing variant allele frequency, disease prevalence and penetrance estimates, and inheritance mode, an automated score was calculated to assess if this variant is too frequent to cause the disease. Based on the score and internal cut-off values, a variant classified as benign is not then subjected to further curation. The score for this variant resulted in a classification of benign for this disease.

Breakthrough Genomics
Classification: Benign. Review status: criteria provided, single submitter. Criteria: ACMG Guidelines, 2015. Collection method: not provided. Allele origin: germline. Inheritance: Autosomal recessive inheritance. Affected: yes.